The following is an entry in ClinVar:

NM_000064.4(C3):c.4513C>T (p.Leu1505Phe)

Gene: C3 (complement C3; minus strand). Cytogenetic location: 19p13.3.
Variant type: single nucleotide variant.
Coding change: c.4513C>T on transcript NM_000064.4 (MANE Select); coding-DNA position 4513, C replaced by T.
Protein change: p.Leu1505Phe; replaces leucine 1505 with phenylalanine.
Molecular consequence: missense variant.
Genome position (GRCh38, 1-based): chr19:6,679,440, G>A on the plus strand (C>T on the coding strand, the complement: C3 is on the minus strand). VCF-style: chr19-6679440-G-A. GRCh37 (hg19) VCF-style: chr19-6679451-G-A.
Other names: short protein forms L1505F.
Identifiers: ClinVar variation 1963012 (VCV001963012.5), dbSNP rs749677615, ClinGen allele CA9128371.

ClinVar aggregate classification (germline): Uncertain significance (1 of 4 stars; one submission).

Allele frequency attached by ClinVar (database versions not stated): gnomAD 0.00001; ExAC 0.00002; gnomAD exomes 0.00002.
gnomAD v4.1: 29 of 1,613,846 alleles (0.0018%); highest among the groups gnomAD compares: Non-Finnish European, 0.0025%; no homozygotes.

Submission:

Labcorp Genetics (formerly Invitae), Labcorp
Classification: Uncertain significance. Last evaluated: 2021-12-13. Review status: criteria provided, single submitter. Criteria: Invitae Variant Classification Sherloc (09022015). Collection method: clinical testing. Allele origin: germline.
Comment: In summary, the available evidence is currently insufficient to determine the role of this variant in disease. Therefore, it has been classified as a Variant of Uncertain Significance. Algorithms developed to predict the effect of missense changes on protein structure and function (SIFT, PolyPhen-2, Align-GVGD) all suggest that this variant is likely to be tolerated. This variant has not been reported in the literature in individuals affected with C3-related conditions. This variant is present in population databases (rs749677615, gnomAD 0.003%). This sequence change replaces leucine, which is neutral and non-polar, with phenylalanine, which is neutral and non-polar, at codon 1505 of the C3 protein (p.Leu1505Phe).